The following is an entry in ClinVar:

NM_033380.3(COL4A5):c.4315G>C (p.Gly1439Arg)

Gene: COL4A5 (collagen type IV alpha 5 chain; plus strand). Cytogenetic location: Xq22.3.
Variant type: single nucleotide variant.
Coding change: c.4315G>C on transcript NM_033380.3 (MANE Select); coding-DNA position 4315, G replaced by C.
Protein change: p.Gly1439Arg; replaces glycine 1439 with arginine.
Molecular consequence: missense variant.
Genome position (GRCh38, 1-based): chrX:108,686,129, G>C. VCF-style: chrX-108686129-G-C. GRCh37 (hg19) VCF-style: chrX-107929359-G-C.
Other names: c.4297G>C, p.Gly1433Arg (NM_000495.5); short protein forms G1433R, G1439R.
Identifiers: ClinVar variation 562348 (VCV000562348.2), dbSNP rs1569508169, ClinGen allele CA413853844.

ClinVar aggregate classification (germline): Likely pathogenic. Review status: criteria provided, single submitter (1 of 4 stars). 2 submissions from 2 submitters: Likely pathogenic (1). 1 of the submissions does not count toward it.

Conditions:
X-linked Alport syndrome (ATS1). Also called: COL4A5-Related Nephropathy; NEPHROPATHY AND DEAFNESS, X-LINKED. Identifiers: Orphanet 63, Orphanet 88917, MedGen C4746986, MONDO:0010520, OMIM 301050.

Submissions (2):

Juno Genomics, Hangzhou Juno Genomics, Inc
Classification: Likely pathogenic for X-linked Alport syndrome. Review status: criteria provided, single submitter. Criteria: ACMG Guidelines, 2015. Collection method: clinical testing. Allele origin: germline. Affected: yes.
Comment: Absent from controls (or at extremely low frequency if recessive) in Genome Aggregation Database.;Multiple lines of computational evidence support a deleterious effect on the gene or gene product.;The prevalence of the variant in affected individuals is significantly increased compared to the prevalence in controls.;Patient's phenotype or family history is highly specific for a disease with a single genetic etiology.

Gharavi Laboratory, Columbia University
Classification: Likely pathogenic. Last evaluated: 2018-09-16. Review status: no assertion criteria provided. Criteria: ACMG Guidelines, 2015. Collection method: research. Allele origin: germline. Affected: yes. Not counted in ClinVar's aggregate classification.